The following is an entry in ClinVar:

ClinVar aggregate classification (germline): Uncertain significance (1 of 4 stars; one submission).

Conditions:
Immunodeficiency 39 (IMD39). Identifiers: Orphanet 574918, MedGen C4225358, MONDO:0014597, OMIM 616345.

Submission:

Labcorp Genetics (formerly Invitae), Labcorp
Classification: Uncertain significance for Immunodeficiency 39. Last evaluated: 2025-12-20. Review status: criteria provided, single submitter. Criteria: Invitae Variant Classification Sherloc (09022015). Collection method: clinical testing. Allele origin: germline.
Comment: This sequence change replaces arginine, which is basic and polar, with serine, which is neutral and polar, at codon 435 of the IRF7 protein (p.Arg435Ser). This variant is not present in population databases (gnomAD no frequency). This variant has not been reported in the literature in individuals affected with IRF7-related conditions. Invitae Evidence Modeling of protein sequence and biophysical properties (such as structural, functional, and spatial information, amino acid conservation, physicochemical variation, residue mobility, and thermodynamic stability) has been performed for this missense variant. However, the output from this modeling did not meet the statistical confidence thresholds required to predict the impact of this variant on IRF7 protein function. In summary, the available evidence is currently insufficient to determine the role of this variant in disease. Therefore, it has been classified as a Variant of Uncertain Significance.

NM_001572.5(IRF7):c.1264C>A (p.Arg422Ser)

Gene: IRF7 (interferon regulatory factor 7; minus strand). Cytogenetic location: 11p15.5.
Variant type: single nucleotide variant.
Coding change: c.1264C>A on transcript NM_001572.5 (MANE Select); coding-DNA position 1264, C replaced by A.
Protein change: p.Arg422Ser; replaces arginine 422 with serine.
Molecular consequence: missense variant.
Genome position (GRCh38, 1-based): chr11:613,091, G>T on the plus strand (C>A on the coding strand, the complement: IRF7 is on the minus strand). VCF-style: chr11-613091-G-T. GRCh37 (hg19) VCF-style: chr11-613091-G-T.
Other names: c.1300C>A, p.Arg434Ser (NM_001440440.1); c.1261C>A, p.Arg421Ser (NM_001440442.1); c.1216C>A, p.Arg406Ser (NM_001440444.1); c.1174C>A, p.Arg392Ser (NM_001440445.1); c.892C>A, p.Arg298Ser (NM_001440446.1); c.1177C>A, p.Arg393Ser (NM_004029.4); c.1303C>A, p.Arg435Ser (NM_004031.4); short protein forms R393S, R421S, R392S, R422S, R435S, R434S, R298S, R406S.
Identifiers: ClinVar variation 4768976 (VCV004768976.1).